The following is an entry in ClinVar:

NM_013275.6(ANKRD11):c.149A>T (p.Glu50Val)

Gene: ANKRD11 (ankyrin repeat domain containing 11; minus strand). Cytogenetic location: 16q24.3.
Variant type: single nucleotide variant.
Coding change: c.149A>T on transcript NM_013275.6 (MANE Select); coding-DNA position 149, A replaced by T.
Protein change: p.Glu50Val; replaces glutamic acid 50 with valine.
Molecular consequence: missense variant. On other transcripts: non-coding transcript variant (1).
Genome position (GRCh38, 1-based): chr16:89,305,283, T>A on the plus strand (A>T on the coding strand, the complement: ANKRD11 is on the minus strand). VCF-style: chr16-89305283-T-A. GRCh37 (hg19) VCF-style: chr16-89371691-T-A.
Other names: c.149A>T, p.Glu50Val (NM_001256182.2, NM_001256183.2); c.149A>T (NM_013275.5); short protein forms E50V.
Identifiers: ClinVar variation 585400 (VCV000585400.3), dbSNP rs1567614253, ClinGen allele CA397164242.

ClinVar aggregate classification (germline): Uncertain significance. Review status: criteria provided, multiple submitters, no conflicts (2 of 4 stars). 2 submissions from 2 submitters: Uncertain significance (2). Last evaluated 2023-09-21.

Allele frequency attached by ClinVar (database versions not stated): gnomAD exomes below 0.00001; TOPMed below 0.00001.
gnomAD v4.1: 1 of 1,613,974 alleles (0.000062%); highest among the groups gnomAD compares: Non-Finnish European, 0.000085%; no homozygotes.

Submissions (2):

GeneDx
Classification: Uncertain significance. Last evaluated: 2023-09-21. Review status: criteria provided, single submitter. Criteria: GeneDx Variant Classification Process June 2021. Collection method: clinical testing. Allele origin: germline. Affected: yes.
Comment: Not observed at significant frequency in large population cohorts (gnomAD); In silico analysis supports that this missense variant has a deleterious effect on protein structure/function; Has not been previously published as pathogenic or benign to our knowledge

Athena Diagnostics
Classification: Uncertain significance. Last evaluated: 2023-07-05. Review status: criteria provided, single submitter. Criteria: Athena Diagnostics Criteria. Collection method: clinical testing. Allele origin: unknown.
Comment: Available data are insufficient to determine the clinical significance of the variant at this time. This variant has not been reported in large, multi-ethnic general populations. Computational tools predict that this variant is damaging.

Literature cited by the submitters: PubMed 35970914 (cited by Athena Diagnostics).